The following is an entry in ClinVar:

ClinVar aggregate classification (germline): Pathogenic. Review status: criteria provided, multiple submitters, no conflicts (2 of 4 stars). 4 submissions from 4 submitters: Pathogenic (4). Last evaluated 2025-02-12.

Conditions:
SIN3A-related intellectual disability syndrome. Identifiers: Orphanet 500163, MedGen CN258628, MONDO:0044699.
SIN3A-related intellectual disability syndrome due to a point mutation. Also called: 15q24 Microdeletion Syndrome; WITTEVEEN-KOLK SYNDROME. Identifiers: Orphanet 500166, Orphanet 94065, MedGen C4310804, MONDO:0044700, OMIM 613406.

Submissions (4):

GeneDx
Classification: Pathogenic. Last evaluated: 2025-02-12. Review status: criteria provided, single submitter. Criteria: GeneDx Variant Classification Process June 2021. Collection method: clinical testing. Allele origin: germline.
Comment: Nonsense variant predicted to result in protein truncation or nonsense mediated decay in a gene for which loss of function is a known mechanism of disease; Not observed at significant frequency in large population cohorts (gnomAD); This variant is associated with the following publications: (PMID: 36477409, 36758531)

Baylor Genetics
Classification: Pathogenic for SIN3A-related intellectual disability syndrome due to a point mutation. Last evaluated: 2024-01-10. Review status: criteria provided, single submitter. Criteria: ACMG Guidelines, 2015. Collection method: clinical testing. Allele origin: unknown.

Labcorp Genetics (formerly Invitae), Labcorp
Classification: Pathogenic. Last evaluated: 2022-08-18. Review status: criteria provided, single submitter. Criteria: Invitae Variant Classification Sherloc (09022015). Collection method: clinical testing. Allele origin: germline.
Comment: For these reasons, this variant has been classified as Pathogenic. This variant has not been reported in the literature in individuals affected with SIN3A-related conditions. This variant is not present in population databases (gnomAD no frequency). This sequence change creates a premature translational stop signal (p.Arg471*) in the SIN3A gene. It is expected to result in an absent or disrupted protein product. Loss-of-function variants in SIN3A are known to be pathogenic (PMID: 27399968).

Victorian Clinical Genetics Services, Murdoch Childrens Research Institute
Classification: Pathogenic for SIN3A-related intellectual disability syndrome. Last evaluated: 2020-05-21. Review status: criteria provided, single submitter. Criteria: ACMG Guidelines, 2015. Collection method: clinical testing. Allele origin: germline. Inheritance: Autosomal dominant inheritance. Affected: yes.
Comment: Based on the classification scheme VCGS_Germline_v1.1.1, this variant is classified as Pathogenic. Following criteria are met: 0102 - Loss-of-function is a known mechanism of disease for this gene. (N) 0107 - This gene is known to be associated with autosomal dominant disease. (N) 0201 - Variant is predicted to cause nonsense-mediated decay (NMD) and loss of protein (exon 10 of 21). (P) 0251 - Variant is heterozygous. (N) 0301 - Variant is absent from gnomAD. (P) 0701 - Comparable NMD causing variants have very strong previous evidence for pathogenicity (Decipher, ClinVar). (P) 0807 - Variant has not previously been reported in a clinical context. (N) 0905 - No segregation evidence has been identified for this variant. (N) 1007 - No published functional evidence has been identified for this variant. (N) 1208 - Inheritance information for this variant is not currently available. (N) Legend: (P) - Pathogenic, (N) - Neutral, (B) - Benign

Literature cited by the submitters: PubMed 27399968 (cited by Labcorp Genetics (formerly Invitae), Labcorp).

NM_001145358.2(SIN3A):c.1411C>T (p.Arg471Ter)

Gene: SIN3A (SIN3 transcription regulator family member A; minus strand). Cytogenetic location: 15q24.2.
Variant type: single nucleotide variant.
Coding change: c.1411C>T on transcript NM_001145358.2 (MANE Select); coding-DNA position 1411, C replaced by T.
Protein change: p.Arg471Ter; replaces arginine 471 with a stop codon.
Molecular consequence: nonsense.
Genome position (GRCh38, 1-based): chr15:75,401,967, G>A on the plus strand (C>T on the coding strand, the complement: SIN3A is on the minus strand). VCF-style: chr15-75401967-G-A. GRCh37 (hg19) VCF-style: chr15-75694308-G-A.
Other names: c.1411C>T, p.Arg471Ter (NM_001145357.2, NM_015477.3); short protein forms R471*.
Identifiers: ClinVar variation 1805544 (VCV001805544.9), dbSNP rs971198723, ClinGen allele CA393499320.